The following is an entry in ClinVar:

NM_001377540.1(SLMAP):c.1004G>T (p.Gly335Val)

Gene: SLMAP (sarcolemma associated protein; plus strand). Cytogenetic location: 3p14.3.
Variant type: single nucleotide variant.
Coding change: c.1004G>T on transcript NM_001377540.1 (MANE Select); coding-DNA position 1004, G replaced by T.
Protein change: p.Gly335Val; replaces glycine 335 with valine.
Molecular consequence: missense variant. On other transcripts: non-coding transcript variant (1).
Genome position (GRCh38, 1-based): chr3:57,864,585, G>T. VCF-style: chr3-57864585-G-T. GRCh37 (hg19) VCF-style: chr3-57850312-G-T.
Other names: c.1004G>T (NM_007159.2); c.1004G>T, p.Gly335Val (NM_001377542.1, NM_001377545.1, NM_001377549.1 and 17 more transcripts); short protein forms G335V.
Identifiers: ClinVar variation 4760518 (VCV004760518.2).

ClinVar aggregate classification (germline): Uncertain significance. Review status: criteria provided, multiple submitters, no conflicts (2 of 4 stars). 2 submissions from 2 submitters: Uncertain significance (2). Last evaluated 2026-03-12.

Conditions:
Brugada syndrome. Also called: Sudden unexplained nocturnal death syndrome; Sudden unexpected nocturnal death syndrome; Sudden Unexplained Death Syndrome; Sudden Unexplained Nocturnal Death Syndrome (SUNDS). Identifiers: Orphanet 130, MedGen C1142166, MONDO:0015263.

Submissions (2):

Ambry Genetics
Classification: Uncertain significance. Last evaluated: 2026-03-12. Review status: criteria provided, single submitter. Criteria: Ambry Variant Classification Scheme 2023. Collection method: clinical testing. Allele origin: germline.
Comment: The p.G335V variant (also known as c.1004G>T), located in coding exon 10 of the SLMAP gene, results from a G to T substitution at nucleotide position 1004. The glycine at codon 335 is replaced by valine, an amino acid with dissimilar properties. This amino acid position is conserved. In addition, the in silico prediction for this alteration is inconclusive. Based on the available evidence, the clinical significance of this variant remains unclear.

Labcorp Genetics (formerly Invitae), Labcorp
Classification: Uncertain significance for Brugada syndrome. Last evaluated: 2025-11-22. Review status: criteria provided, single submitter. Criteria: Invitae Variant Classification Sherloc (09022015). Collection method: clinical testing. Allele origin: germline.
Comment: This sequence change replaces glycine, which is neutral and non-polar, with valine, which is neutral and non-polar, at codon 335 of the SLMAP protein (p.Gly335Val). This variant is not present in population databases (gnomAD no frequency). This variant has not been reported in the literature in individuals affected with SLMAP-related conditions. An algorithm developed to predict the effect of missense changes on protein structure and function (PolyPhen-2) suggests that this variant is likely to be tolerated. In summary, the available evidence is currently insufficient to determine the role of this variant in disease. Therefore, it has been classified as a Variant of Uncertain Significance.